The following is an entry in ClinVar:

NM_004415.4(DSP):c.2998_3012del (p.His1000_Ile1004del)

Gene: DSP (desmoplakin; plus strand). Cytogenetic location: 6p24.3.
Variant type: Deletion.
Coding change: c.2998_3012del on transcript NM_004415.4 (MANE Select); coding-DNA positions 2998 to 3012, 15 bases deleted (CATGCTCGGTACATT).
Protein change: p.His1000_Ile1004del.
Molecular consequence: inframe deletion.
Genome position (GRCh38, 1-based): chr6:7,578,476-7,578,490, CATGCTCGGTACATT deleted; deleting any 15 consecutive bases within chr6:7,578,474-7,578,490 gives the same sequence; the c. name uses the placement nearest the transcript's 3' end. VCF-style (leftmost placement, unchanged base first): chr6-7578473-GTTCATGCTCGGTACA-G. GRCh37 (hg19) VCF-style: chr6-7578706-GTTCATGCTCGGTACA-G.
Other names: c.2998_3012del, p.His1000_Ile1004del (NM_001008844.3, NM_001319034.2).
Identifiers: ClinVar variation 2942627 (VCV002942627.3), dbSNP rs2533919623, ClinGen allele CA2740094247.

ClinVar aggregate classification (germline): Uncertain significance (1 of 4 stars; one submission).

Conditions:
Arrhythmogenic cardiomyopathy with wooly hair and keratoderma. Also called: Arrhythmogenic cardiomyopathy with woolly hair and keratoderma; PALMOPLANTAR KERATODERMA WITH LEFT VENTRICULAR CARDIOMYOPATHY AND WOOLLY HAIR; Carvajal syndrome; Dilated cardiomyopathy with woolly hair and keratoderma. Identifiers: Orphanet 65282, MedGen C1854063, MONDO:0011581, OMIM 605676.
Arrhythmogenic right ventricular dysplasia 8 (ARVD8). Also called: Arrhythmogenic Right Ventricular Dysplasia/Cardiomyopathy 8; ARRHYTHMOGENIC RIGHT VENTRICULAR DYSPLASIA, FAMILIAL, 8; ARRHYTHMOGENIC RIGHT VENTRICULAR CARDIOMYOPATHY 8. Identifiers: MedGen C1843896, MONDO:0011831, OMIM 607450.

Submission:

Labcorp Genetics (formerly Invitae), Labcorp
Classification: Uncertain significance for Arrhythmogenic cardiomyopathy with wooly hair and keratoderma; Arrhythmogenic right ventricular dysplasia 8. Last evaluated: 2022-12-23. Review status: criteria provided, single submitter. Criteria: Invitae Variant Classification Sherloc (09022015). Collection method: clinical testing. Allele origin: germline.
Comment: In summary, the available evidence is currently insufficient to determine the role of this variant in disease. Therefore, it has been classified as a Variant of Uncertain Significance. Experimental studies and prediction algorithms are not available or were not evaluated, and the functional significance of this variant is currently unknown. This variant has not been reported in the literature in individuals affected with DSP-related conditions. This variant is not present in population databases (gnomAD no frequency). This variant, c.2998_3012del, results in the deletion of 5 amino acid(s) of the DSP protein (p.His1000_Ile1004del), but otherwise preserves the integrity of the reading frame.